The following is an entry in ClinVar:

NM_001244008.2(KIF1A):c.181T>A (p.Ser61Thr)

Gene: KIF1A (kinesin family member 1A; minus strand). Cytogenetic location: 2q37.3.
Variant type: single nucleotide variant.
Coding change: c.181T>A on transcript NM_001244008.2 (MANE Select); coding-DNA position 181, T replaced by A.
Protein change: p.Ser61Thr; replaces serine 61 with threonine.
Molecular consequence: missense variant.
Genome position (GRCh38, 1-based): chr2:240,789,238, A>T on the plus strand (T>A on the coding strand, the complement: KIF1A is on the minus strand). VCF-style: chr2-240789238-A-T. GRCh37 (hg19) VCF-style: chr2-241728655-A-T.
Other names: c.181T>A, p.Ser61Thr (NM_001320705.2, NM_001330289.2, NM_001330290.2 and 20 more transcripts); short protein forms S61T.
Identifiers: ClinVar variation 3600600 (VCV003600600.1).

ClinVar aggregate classification (germline): Uncertain significance (1 of 4 stars; one submission).

Submission:

GeneDx
Classification: Uncertain significance. Last evaluated: 2024-07-27. Review status: criteria provided, single submitter. Criteria: GeneDx Variant Classification Process June 2021. Collection method: clinical testing. Allele origin: germline. Affected: yes.
Comment: Not observed at significant frequency in large population cohorts (gnomAD); In silico analysis indicates that this missense variant does not alter protein structure/function; Has not been previously published as pathogenic or benign to our knowledge; This variant is associated with the following publications: (PMID: 26125038, 21820098, 21376300)